The following is an entry in ClinVar:

ClinVar aggregate classification (germline): Uncertain significance. Review status: criteria provided, multiple submitters, no conflicts (2 of 4 stars). 3 submissions from 3 submitters: Uncertain significance (3). Last evaluated 2025-07-03.

Conditions:
Malignant hyperthermia, susceptibility to, 5 (MHS5). Also called: CACNA1S-Related Malignant Hyperthermia Susceptibility. Identifiers: Orphanet 423, MedGen C1866077, MONDO:0011163, OMIM 601887.

Allele frequency attached by ClinVar (database versions not stated): TOPMed below 0.00001.

Submissions (3):

GeneDx
Classification: Uncertain significance. Last evaluated: 2025-07-03. Review status: criteria provided, single submitter. Criteria: GeneDx Variant Classification Process June 2021. Collection method: clinical testing. Allele origin: germline. Affected: yes.
Comment: Not observed at significant frequency in large population cohorts (gnomAD); In silico analysis supports that this missense variant has a deleterious effect on protein structure/function; Has not been previously published as pathogenic or benign to our knowledge

All of Us Research Program, National Institutes of Health
Classification: Uncertain significance for Malignant hyperthermia, susceptibility to, 5. Last evaluated: 2024-04-16. Review status: criteria provided, single submitter. Criteria: ACMG Guidelines, 2015. Collection method: clinical testing. Allele origin: germline. Inheritance: Autosomal dominant inheritance. Observed: 2 variant alleles, 2 heterozygotes.
Comment: This missense variant replaces asparagine with isoleucine at codon 1078 of the CACNA1S protein. Computational prediction suggests that this variant may have deleterious impact on protein structure and function (internally defined REVEL score threshold >= 0.7, PMID: 27666373). To our knowledge, functional studies have not been reported for this variant. This variant has not been reported in individuals affected with CACNA1S-related disorders in the literature. This variant has not been identified in the general population by the Genome Aggregation Database (gnomAD). The available evidence is insufficient to determine the role of this variant in disease conclusively. Therefore, this variant is classified as a Variant of Uncertain Significance.

This study involves interpretation of variants in research participants for the purpose of population health screening. Participant phenotype was not available at the time of variant classification. Additional details can be found in publication PMID: 35346344, PMCID: PMC8962531

Color Diagnostics, LLC DBA Color Health
Classification: Uncertain significance for Malignant hyperthermia, susceptibility to, 5. Last evaluated: 2024-03-28. Review status: criteria provided, single submitter. Criteria: ACMG Guidelines, 2015. Collection method: clinical testing. Allele origin: germline.
Comment: This missense variant replaces asparagine with isoleucine at codon 1078 of the CACNA1S protein. Computational prediction suggests that this variant may have deleterious impact on protein structure and function (internally defined REVEL score threshold >= 0.7, PMID: 27666373). To our knowledge, functional studies have not been reported for this variant. This variant has not been reported in individuals affected with CACNA1S-related disorders in the literature. This variant has not been identified in the general population by the Genome Aggregation Database (gnomAD). The available evidence is insufficient to determine the role of this variant in disease conclusively. Therefore, this variant is classified as a Variant of Uncertain Significance.

NM_000069.3(CACNA1S):c.3233A>T (p.Asn1078Ile)

Gene: CACNA1S (calcium voltage-gated channel subunit alpha1 S; minus strand). Cytogenetic location: 1q32.1.
Variant type: single nucleotide variant.
Coding change: c.3233A>T on transcript NM_000069.3 (MANE Select); coding-DNA position 3233, A replaced by T.
Protein change: p.Asn1078Ile; replaces asparagine 1078 with isoleucine.
Molecular consequence: missense variant.
Genome position (GRCh38, 1-based): chr1:201,061,289, T>A on the plus strand (A>T on the coding strand, the complement: CACNA1S is on the minus strand). VCF-style: chr1-201061289-T-A. GRCh37 (hg19) VCF-style: chr1-201030417-T-A.
Other names: c.3233A>T (NM_000069.2); short protein forms N1078I.
Identifiers: ClinVar variation 2775011 (VCV002775011.5), dbSNP rs1661038193, ClinGen allele CA344161600.